The following is an entry in ClinVar:

NM_032119.4(ADGRV1):c.14720T>C (p.Val4907Ala)

Gene: ADGRV1 (adhesion G protein-coupled receptor V1; plus strand). Cytogenetic location: 5q14.3.
Variant type: single nucleotide variant.
Coding change: c.14720T>C on transcript NM_032119.4 (MANE Select); coding-DNA position 14720, T replaced by C.
Protein change: p.Val4907Ala; replaces valine 4907 with alanine.
Molecular consequence: missense variant. On other transcripts: non-coding transcript variant (1).
Genome position (GRCh38, 1-based): chr5:90,805,342, T>C. VCF-style: chr5-90805342-T-C. GRCh37 (hg19) VCF-style: chr5-90101159-T-C.
Other names: c.14720T>C (NM_032119.3); short protein forms V4907A.
Identifiers: ClinVar variation 1502620 (VCV001502620.9), dbSNP rs767733373, ClinGen allele CA3341797.

ClinVar aggregate classification (germline): Uncertain significance. Review status: criteria provided, multiple submitters, no conflicts (2 of 4 stars). 3 submissions from 3 submitters: Uncertain significance (3). Last evaluated 2023-11-06.

Conditions:
Inborn genetic diseases. Identifiers: MedGen C0950123, MeSH D030342.

Allele frequency attached by ClinVar (database versions not stated): gnomAD exomes below 0.00001; TOPMed below 0.00001; ExAC 0.00001; gnomAD 0.00001.
gnomAD v4.1: 20 of 1,612,938 alleles (0.0012%); highest among the groups gnomAD compares: Non-Finnish European, 0.0017%; no homozygotes.

Submissions (3):

Ambry Genetics
Classification: Uncertain significance for Inborn genetic diseases. Last evaluated: 2023-11-06. Review status: criteria provided, single submitter. Criteria: Ambry Variant Classification Scheme 2023. Collection method: clinical testing. Allele origin: germline.

Labcorp Genetics (formerly Invitae), Labcorp
Classification: Uncertain significance. Last evaluated: 2022-09-01. Review status: criteria provided, single submitter. Criteria: Invitae Variant Classification Sherloc (09022015). Collection method: clinical testing. Allele origin: germline.
Comment: This sequence change replaces valine, which is neutral and non-polar, with alanine, which is neutral and non-polar, at codon 4907 of the ADGRV1 protein (p.Val4907Ala). This variant is present in population databases (rs767733373, gnomAD 0.0009%). This variant has not been reported in the literature in individuals affected with ADGRV1-related conditions. ClinVar contains an entry for this variant (Variation ID: 1502620). Algorithms developed to predict the effect of missense changes on protein structure and function output the following: SIFT: "Tolerated"; PolyPhen-2: "Possibly Damaging"; Align-GVGD: "Class C0". The alanine amino acid residue is found in multiple mammalian species, which suggests that this missense change does not adversely affect protein function. In summary, the available evidence is currently insufficient to determine the role of this variant in disease. Therefore, it has been classified as a Variant of Uncertain Significance.

Blueprint Genetics
Classification: Uncertain significance. Last evaluated: 2021-08-03. Review status: criteria provided, single submitter. Criteria: ACMG Guidelines, 2015. Collection method: clinical testing. Allele origin: germline.